The following is an entry in ClinVar:

ClinVar aggregate classification (germline): Uncertain significance (1 of 4 stars; one submission).

Allele frequency attached by ClinVar (database versions not stated): gnomAD exomes below 0.00001.

Submission:

Ambry Genetics
Classification: Uncertain significance. Last evaluated: 2023-05-06. Review status: criteria provided, single submitter. Criteria: Ambry Variant Classification Scheme 2023. Collection method: clinical testing. Allele origin: germline.
Comment: The p.M450T variant (also known as c.1349T>C), located in coding exon 10 of the RINT1 gene, results from a T to C substitution at nucleotide position 1349. The methionine at codon 450 is replaced by threonine, an amino acid with similar properties. This amino acid position is conserved. In addition, the in silico prediction for this alteration is inconclusive. Since supporting evidence is limited at this time, the clinical significance of this alteration remains unclear.

NM_021930.6(RINT1):c.1349T>C (p.Met450Thr)

Gene: RINT1 (RAD50 interactor 1; plus strand). Cytogenetic location: 7q22.3.
Variant type: single nucleotide variant.
Coding change: c.1349T>C on transcript NM_021930.6 (MANE Select); coding-DNA position 1349, T replaced by C.
Protein change: p.Met450Thr; replaces methionine 450 with threonine.
Molecular consequence: missense variant. On other transcripts: non-coding transcript variant (1).
Genome position (GRCh38, 1-based): chr7:105,551,585, T>C. VCF-style: chr7-105551585-T-C. GRCh37 (hg19) VCF-style: chr7-105192032-T-C.
Other names: c.1115T>C, p.Met372Thr (NM_001346599.2); c.326T>C, p.Met109Thr (NM_001346600.2, NM_001346603.2); c.425T>C, p.Met142Thr (NM_001346601.2); short protein forms M109T, M372T, M142T, M450T.
Identifiers: ClinVar variation 2563354 (VCV002563354.2), dbSNP rs2485136855, ClinGen allele CA368809655.